The following is an entry in ClinVar:

NM_181523.3(PIK3R1):c.656A>G (p.Tyr219Cys)

Gene: PIK3R1 (phosphoinositide-3-kinase regulatory subunit 1; plus strand). Cytogenetic location: 5q13.1.
Variant type: single nucleotide variant.
Coding change: c.656A>G on transcript NM_181523.3 (MANE Select); coding-DNA position 656, A replaced by G.
Protein change: p.Tyr219Cys; replaces tyrosine 219 with cysteine.
Molecular consequence: missense variant.
Genome position (GRCh38, 1-based): chr5:68,280,549, A>G. VCF-style: chr5-68280549-A-G. GRCh37 (hg19) VCF-style: chr5-67576377-A-G.
Other names: short protein forms Y219C.
Identifiers: ClinVar variation 2931039 (VCV002931039.3), dbSNP rs373220196, ClinGen allele CA3290119.

ClinVar aggregate classification (germline): Uncertain significance (1 of 4 stars; one submission).

Conditions:
SHORT syndrome. Also called: LIPODYSTROPHY, PARTIAL, WITH RIEGER ANOMALY AND SHORT STATURE; PIK3R1-Related SHORT Syndrome; SHORT STATURE, HYPEREXTENSIBILITY, HERNIA, OCULAR DEPRESSION, RIEGER ANOMALY, AND TEETHING DELAY. Identifiers: Orphanet 3163, MedGen C0878684, MONDO:0010026, OMIM 269880.
Agammaglobulinemia 7, autosomal recessive (AGM7). Also called: AGAMMAGLOBULINEMIA, AUTOSOMAL RECESSIVE, DUE TO PIK3R1 DEFECT. Identifiers: MedGen C3554689, MONDO:0014083, OMIM 615214.
Immunodeficiency 36 with lymphoproliferation. Also called: Immunodeficiency 36; ACTIVATED PI3K-DELTA SYNDROME 2; Activated PI3K Delta Syndrome Type 2 (APDS2). Identifiers: Orphanet 397596, Orphanet 693681, MedGen C4014934, MONDO:0014453, OMIM 616005.

Allele frequency attached by ClinVar (database versions not stated): gnomAD exomes below 0.00001; ExAC 0.00002; gnomAD 0.00003; ESP Exome Variant Server 0.00008; 1000 Genomes Project 0.00020; 1000 Genomes Project 30x 0.00031.
gnomAD v4.1: 8 of 1,610,076 alleles (0.0005%); highest among the groups gnomAD compares: African/African-American, 0.0094%; no homozygotes.

Submission:

Labcorp Genetics (formerly Invitae), Labcorp
Classification: Uncertain significance for SHORT syndrome; Immunodeficiency 36 with lymphoproliferation; Agammaglobulinemia 7, autosomal recessive. Last evaluated: 2025-12-19. Review status: criteria provided, single submitter. Criteria: Invitae Variant Classification Sherloc (09022015). Collection method: clinical testing. Allele origin: germline.
Comment: This sequence change replaces tyrosine, which is neutral and polar, with cysteine, which is neutral and slightly polar, at codon 219 of the PIK3R1 protein (p.Tyr219Cys). This variant is present in population databases (rs373220196, gnomAD 0.01%). This variant has not been reported in the literature in individuals affected with PIK3R1-related conditions. ClinVar contains an entry for this variant (Variation ID: 2931039). An algorithm developed to predict the effect of missense changes on protein structure and function (PolyPhen-2) suggests that this variant is likely to be tolerated. In summary, the available evidence is currently insufficient to determine the role of this variant in disease. Therefore, it has been classified as a Variant of Uncertain Significance.